The following is an entry in ClinVar:

ClinVar aggregate classification (germline): Benign (1 of 4 stars; one submission).

Allele frequency attached by ClinVar (database versions not stated): 1000 Genomes Project 0.00260; 1000 Genomes Project 30x 0.00265; TOPMed 0.00623.
gnomAD v4.1: 11,046 of 985,442 alleles (1.1%); highest among the groups gnomAD compares: Non-Finnish European, 1.3%; 72 homozygotes.

Submission:

CeGaT Center for Human Genetics Tuebingen
Classification: Benign. Last evaluated: 2022-08-01. Review status: criteria provided, single submitter. Criteria: CeGaT Center For Human Genetics Tuebingen Variant Classification Criteria Version 2. Collection method: clinical testing. Allele origin: germline. Affected: yes. Observed: 1 variant allele.
Comment: GALNS: BS1, BS2

NM_000512.5(GALNS):c.1482+599C>T

Gene: GALNS (galactosamine (N-acetyl)-6-sulfatase; minus strand). Cytogenetic location: 16q24.3.
Variant type: single nucleotide variant.
Coding change: c.1482+599C>T on transcript NM_000512.5 (MANE Select); 599 bases into the intron after coding-DNA position 1482, C replaced by T.
Molecular consequence: intron variant.
Genome position (GRCh38, 1-based): chr16:88,817,408, G>A on the plus strand (C>T on the coding strand, the complement: GALNS is on the minus strand). VCF-style: chr16-88817408-G-A. GRCh37 (hg19) VCF-style: chr16-88883816-G-A.
Other names: c.927+599C>T (NM_001323543.2); c.1500+599C>T (NM_001323544.2).
Identifiers: ClinVar variation 1711418 (VCV001711418.30), dbSNP rs145384694, ClinGen allele CA286436201.